The following is an entry in ClinVar:

NM_173651.4(FSIP2):c.1437G>A (p.Pro479=)

Gene: FSIP2 (fibrous sheath interacting protein 2; plus strand). Cytogenetic location: 2q32.1.
Variant type: single nucleotide variant.
Coding change: c.1437G>A on transcript NM_173651.4 (MANE Select); coding-DNA position 1437, G replaced by A.
Protein change: p.Pro479=; no amino-acid change (proline 479 retained).
Molecular consequence: synonymous variant.
Genome position (GRCh38, 1-based): chr2:185,782,730, G>A. VCF-style: chr2-185782730-G-A. GRCh37 (hg19) VCF-style: chr2-186647457-G-A.
Identifiers: ClinVar variation 3047623 (VCV003047623.2), dbSNP rs530990340, ClinGen allele CA61772002.

ClinVar aggregate classification (germline): Likely benign (0 of 4 stars; one submission).

Conditions:
FSIP2-related disorder. Also called: FSIP2-related condition.

Allele frequency attached by ClinVar (database versions not stated): TOPMed below 0.00001; gnomAD exomes 0.00001; gnomAD 0.00003; 1000 Genomes Project 0.00020; 1000 Genomes Project 30x 0.00031.
gnomAD v4.1: 28 of 1,515,542 alleles (0.0018%); highest among the groups gnomAD compares: East Asian, 0.044%; no homozygotes.

Submission:

PreventionGenetics, part of Exact Sciences
Classification: Likely benign for FSIP2-related condition. Last evaluated: 2019-03-25. Review status: no assertion criteria provided. Collection method: clinical testing. Allele origin: germline.
Comment: This variant is classified as likely benign based on ACMG/AMP sequence variant interpretation guidelines (Richards et al. 2015 PMID: 25741868, with internal and published modifications).